The following is an entry in ClinVar:

ClinVar aggregate classification (germline): Uncertain significance (1 of 4 stars; one submission).

Allele frequency attached by ClinVar (database versions not stated): gnomAD exomes below 0.00001.
gnomAD v4.1: 1 of 1,572,824 alleles (0.000064%); highest among the groups gnomAD compares: Admixed American, 0.0019%; no homozygotes.

Submission:

Labcorp Genetics (formerly Invitae), Labcorp
Classification: Uncertain significance. Last evaluated: 2022-07-31. Review status: criteria provided, single submitter. Criteria: Invitae Variant Classification Sherloc (09022015). Collection method: clinical testing. Allele origin: germline.
Comment: This sequence change replaces proline, which is neutral and non-polar, with serine, which is neutral and polar, at codon 31 of the CYFIP2 protein (p.Pro31Ser). This variant is present in population databases (no rsID available, gnomAD 0.004%). This variant has not been reported in the literature in individuals affected with CYFIP2-related conditions. Algorithms developed to predict the effect of missense changes on protein structure and function are either unavailable or do not agree on the potential impact of this missense change (SIFT: "Tolerated"; PolyPhen-2: "Not Available"; Align-GVGD: "Class C0"). In summary, the available evidence is currently insufficient to determine the role of this variant in disease. Therefore, it has been classified as a Variant of Uncertain Significance.

NM_001037333.3(CYFIP2):c.91C>T (p.Pro31Ser)

Gene: CYFIP2 (cytoplasmic FMR1 interacting protein 2; plus strand). Cytogenetic location: 5q33.3.
Variant type: single nucleotide variant.
Coding change: c.91C>T on transcript NM_001037333.3 (MANE Select); coding-DNA position 91, C replaced by T.
Protein change: p.Pro31Ser; replaces proline 31 with serine.
Molecular consequence: missense variant.
Genome position (GRCh38, 1-based): chr5:157,285,452, C>T. VCF-style: chr5-157285452-C-T. GRCh37 (hg19) VCF-style: chr5-156712462-C-T.
Other names: c.91C>T, p.Pro31Ser (NM_001291721.2, NM_001291722.2, NM_014376.4); short protein forms P31S.
Identifiers: ClinVar variation 1714626 (VCV001714626.5), dbSNP rs1461152506, ClinGen allele CA361965325.
Genomic context (GRCh38, chr5:157,285,452, plus strand): 5'-CTGTCCAACGTGGACCTGCTTGAAGAGCTTCCCCTCCCCGACCAGCAGCCATGCATCGAG[C>T]CTCCACCTTCCTCCATCATGTACCAGGTAATGGAAATGGTAGATAGCACCAGGGGGCCCA-3'
Protein context (NP_001032410.1, residues 21-41): PLPDQQPCIE[Pro31Ser]PPSSIMYQAN